The following is an entry in ClinVar:

ClinVar aggregate classification (germline): Uncertain significance. Review status: criteria provided, multiple submitters, no conflicts (2 of 4 stars). 3 submissions from 3 submitters: Uncertain significance (3). Last evaluated 2022-01-14.

Conditions:
Neonatal-onset encephalopathy with rigidity and seizures. Also called: Lethal neonatal spasticity-epileptic encephalopathy syndrome. Identifiers: Orphanet 435845, MedGen C3281029, MONDO:0013784, OMIM 614498.

Allele frequency attached by ClinVar (database versions not stated): gnomAD exomes below 0.00001; gnomAD 0.00001.

Submissions (3):

Labcorp Genetics (formerly Invitae), Labcorp
Classification: Uncertain significance for Neonatal-onset encephalopathy with rigidity and seizures. Last evaluated: 2022-01-14. Review status: criteria provided, single submitter. Criteria: Invitae Variant Classification Sherloc (09022015). Collection method: clinical testing. Allele origin: germline.
Comment: This sequence change replaces arginine, which is basic and polar, with tryptophan, which is neutral and slightly polar, at codon 285 of the BRAT1 protein (p.Arg285Trp). The frequency data for this variant in the population databases is considered unreliable, as metrics indicate poor data quality at this position in the gnomAD database. This variant has not been reported in the literature in individuals affected with BRAT1-related conditions. ClinVar contains an entry for this variant (Variation ID: 444709). Algorithms developed to predict the effect of missense changes on protein structure and function are either unavailable or do not agree on the potential impact of this missense change (SIFT: "Deleterious"; PolyPhen-2: "Benign"; Align-GVGD: "Class C15"). In summary, the available evidence is currently insufficient to determine the role of this variant in disease. Therefore, it has been classified as a Variant of Uncertain Significance.

Revvity Omics, Revvity
Classification: Uncertain significance. Last evaluated: 2021-04-25. Review status: criteria provided, single submitter. Criteria: ACMG Guidelines, 2015. Collection method: clinical testing. Allele origin: germline.

CeGaT Center for Human Genetics Tuebingen
Classification: Uncertain significance. Last evaluated: 2017-05-01. Review status: criteria provided, single submitter. Criteria: CeGaT Center For Human Genetics Tuebingen Variant Classification Criteria Version 2. Collection method: clinical testing. Allele origin: germline. Affected: yes. Observed: 1 variant allele.

NM_152743.4(BRAT1):c.853C>T (p.Arg285Trp)

Gene: BRAT1 (BRCA1 associated ATM activator 1; minus strand). Cytogenetic location: 7p22.3.
Variant type: single nucleotide variant.
Coding change: c.853C>T on transcript NM_152743.4 (MANE Select); coding-DNA position 853, C replaced by T.
Protein change: p.Arg285Trp; replaces arginine 285 with tryptophan.
Molecular consequence: missense variant. On other transcripts: non-coding transcript variant (1).
Genome position (GRCh38, 1-based): chr7:2,543,274, G>A on the plus strand (C>T on the coding strand, the complement: BRAT1 is on the minus strand). VCF-style: chr7-2543274-G-A. GRCh37 (hg19) VCF-style: chr7-2582908-G-A.
Other names: c.853C>T, p.Arg285Trp (NM_001350626.2); c.328C>T, p.Arg110Trp (NM_001350627.2); short protein forms R285W, R110W.
Identifiers: ClinVar variation 444709 (VCV000444709.50), dbSNP rs1301692811, ClinGen allele CA366631106.